The following is an entry in ClinVar:

ClinVar aggregate classification (germline): Uncertain significance (1 of 4 stars; one submission).

Conditions:
Rhabdoid tumor predisposition syndrome 2 (RTPS2). Identifiers: Orphanet 231108, Orphanet 69077, MedGen C2750074, MONDO:0013224, OMIM 613325.

gnomAD v4.1: 1 of 1,596,736 alleles (0.000063%); highest among the groups gnomAD compares: Non-Finnish European, 0.000085%; no homozygotes.

Submission:

Labcorp Genetics (formerly Invitae), Labcorp
Classification: Uncertain significance for Rhabdoid tumor predisposition syndrome 2. Last evaluated: 2022-09-07. Review status: criteria provided, single submitter. Criteria: Invitae Variant Classification Sherloc (09022015). Collection method: clinical testing. Allele origin: germline.
Comment: In summary, the available evidence is currently insufficient to determine the role of this variant in disease. Therefore, it has been classified as a Variant of Uncertain Significance. Algorithms developed to predict the effect of sequence changes on RNA splicing suggest that this variant may create or strengthen a splice site. Algorithms developed to predict the effect of missense changes on protein structure and function (SIFT, PolyPhen-2, Align-GVGD) all suggest that this variant is likely to be disruptive. ClinVar contains an entry for this variant (Variation ID: 1052827). This variant has not been reported in the literature in individuals affected with SMARCA4-related conditions. This variant is not present in population databases (gnomAD no frequency). This sequence change replaces serine, which is neutral and polar, with tryptophan, which is neutral and slightly polar, at codon 1587 of the SMARCA4 protein (p.Ser1587Trp).

NM_003072.5(SMARCA4):c.4664C>G (p.Ser1555Trp)

Gene: SMARCA4 (SWI/SNF related BAF chromatin remodeling complex subunit ATPase 4; plus strand). Cytogenetic location: 19p13.2.
Variant type: single nucleotide variant.
Coding change: c.4664C>G on transcript NM_003072.5 (MANE Select); coding-DNA position 4664, C replaced by G.
Protein change: p.Ser1555Trp; replaces serine 1555 with tryptophan.
Molecular consequence: missense variant. On other transcripts: non-coding transcript variant (1).
Genome position (GRCh38, 1-based): chr19:11,059,781, C>G. VCF-style: chr19-11059781-C-G. GRCh37 (hg19) VCF-style: chr19-11170457-C-G.
Other names: c.4664C>G, p.Ser1555Trp (NM_001128844.3); c.4574C>G, p.Ser1525Trp (NM_001128845.2); c.4571C>G, p.Ser1524Trp (NM_001128846.2); c.4565C>G, p.Ser1522Trp (NM_001128847.4, NM_001374457.1); c.4562C>G, p.Ser1521Trp (NM_001128848.2); c.4760C>G, p.Ser1587Trp (NM_001128849.3, NM_001387283.1); short protein forms S1521W, S1522W, S1524W, S1525W, S1555W, S1587W.
Identifiers: ClinVar variation 1052827 (VCV001052827.9), dbSNP rs1057523990, ClinGen allele CA404079267.